The following is an entry in ClinVar:

NC_000003.11:g.(?_10070342)_(10094191_?)del

Gene: FANCD2 (FA complementation group D2; plus strand). Cytogenetic location: 3p25.3.
Variant type: Deletion.
Identifiers: ClinVar variation 1457757 (VCV001457757.3).

ClinVar aggregate classification (germline): Pathogenic (1 of 4 stars; one submission).

Conditions:
Fanconi anemia (FA). Also called: Fanconi's anemia. Identifiers: Orphanet 84, MedGen C0015625, MeSH D005199, MONDO:0019391.

Submission:

Labcorp Genetics (formerly Invitae), Labcorp
Classification: Pathogenic for Fanconi anemia. Last evaluated: 2021-08-04. Review status: criteria provided, single submitter. Criteria: Invitae Variant Classification Sherloc (09022015). Collection method: clinical testing. Allele origin: germline.
Comment: This variant is a gross deletion of the genomic region encompassing exon(s) 2-18 of the FANCD2 gene, which includes the initiator codon. The 5' end of this event is unknown as it extends beyond the assayed region for this gene and therefore may encompass additional genes. The 3' boundary is likely confined to intron 18 of the FANCD2 gene. It is expected to result in an absent or disrupted protein product. Loss-of-function variants in FANCD2 are known to be pathogenic (PMID: 17436244). A similar copy number variant has been observed in individual(s) with Fanconi anemia who also carried another pathogenic variant in FANCD2 (PMID: 30713837). For these reasons, this variant has been classified as Pathogenic.

Literature cited by the submitters: PubMed 17436244; PubMed 30713837.